The following is an entry in ClinVar:

Conditions:
Breast-ovarian cancer, familial, susceptibility to, 1 (BROVCA1). Also called: BRCA1 Hereditary Breast and Ovarian Cancer; OVARIAN CANCER, SUSCEPTIBILITY TO. Identifiers: Orphanet 145, MedGen C2676676, MONDO:0011450, OMIM 604370. Disease mechanism: loss of function.

Submission:

Brotman Baty Institute, University of Washington
No classification provided (evidence only). Condition: Breast-ovarian cancer, familial 1. Review status: no classification provided. Collection method: in vitro. Allele origin: not applicable. Functional consequence: functionally_normal.
ClinVar note: "not provided" was previously submitted as the classification for the variant. However, the classification appeared to be based only on an observation of functional data so it was converted to no classification on 2025-07-30.

NM_007294.4(BRCA1):c.234A>G (p.Arg78=)

Gene: BRCA1 (BRCA1 DNA repair associated; minus strand). Cytogenetic location: 17q21.31.
Variant type: single nucleotide variant.
Coding change: c.234A>G on transcript NM_007294.4 (MANE Select); coding-DNA position 234, A replaced by G.
Protein change: p.Arg78=; no amino-acid change (arginine 78 retained).
Molecular consequence: synonymous variant. On other transcripts: 5 prime UTR variant (7), intron variant (2).
Genome position (GRCh38, 1-based): chr17:43,104,935, T>C on the plus strand (A>G on the coding strand, the complement: BRCA1 is on the minus strand). VCF-style: chr17-43104935-T-C. GRCh37 (hg19) VCF-style: chr17-41256952-T-C.
Other names: c.93A>G, p.Arg31= (NM_001408454.1, NM_001408455.1, NM_001408456.1 and 99 more transcripts); c.234A>G, p.Arg78= (NM_001408472.1, NM_001408473.1, NM_001408494.1 and 168 more transcripts); c.156A>G, p.Arg52= (NM_001408474.1, NM_001408475.1, NM_001408476.1 and 21 more transcripts); c.24A>G, p.Arg8= (NM_001408478.1, NM_001408479.1, NM_001408480.1 and 58 more transcripts); c.-148A>G (NM_001408510.1, NM_001408512.1, NM_001407959.1 and 4 more transcripts); c.-218-10075A>G (NM_001407967.1, NM_001407966.1); c.102A>G, p.Arg34= (NM_001408451.1).
Identifiers: ClinVar variation 867363 (VCV000867363.3), dbSNP rs2054692277, ClinGen allele CA500127648.